The following is an entry in ClinVar:

NM_018451.5(CPAP):c.*623A>G

Genes: CPAP (centrosome assembly and centriole elongation protein; minus strand), RNF17 (ring finger protein 17; plus strand). Cytogenetic location: 13q12.12.
Variant type: single nucleotide variant.
Coding change: c.*623A>G on transcript NM_018451.5 (MANE Select); 623 bases downstream of the stop codon, A replaced by G.
Molecular consequence: 3 prime UTR variant. On other transcripts: non-coding transcript variant (2).
Genome position (GRCh38, 1-based): chr13:24,882,554, T>C on the plus strand (A>G on the coding strand, the complement: CPAP is on the minus strand). VCF-style: chr13-24882554-T-C. GRCh37 (hg19) VCF-style: chr13-25456692-T-C.
Identifiers: ClinVar variation 883466 (VCV000883466.4), dbSNP rs115136790, ClinGen allele CA247123811.

ClinVar aggregate classification (germline): Benign/Likely benign. Review status: criteria provided, multiple submitters, no conflicts (2 of 4 stars). 3 submissions from 2 submitters: Benign (2); Likely benign (1). Last evaluated 2021-05-11.

Conditions:
Seckel syndrome 4 (SCKL4). Identifiers: Orphanet 808, MedGen C3888212, MONDO:0013358, OMIM 613676.
Microcephaly 6, primary, autosomal recessive. Identifiers: Orphanet 2512, MedGen C1842109, MONDO:0012029, OMIM 608393.

Allele frequency attached by ClinVar (database versions not stated): gnomAD 0.01070 and 0.01144; TOPMed 0.01234; 1000 Genomes Project 0.01278; 1000 Genomes Project 30x 0.01343.

Submissions (3):

GeneDx
Classification: Likely benign. Last evaluated: 2021-05-11. Review status: criteria provided, single submitter. Criteria: GeneDx Variant Classification Process June 2021. Collection method: clinical testing. Allele origin: germline. Affected: yes.

Illumina Laboratory Services, Illumina
Classification: Benign for Microcephaly 6, primary, autosomal recessive. Last evaluated: 2018-01-12. Review status: criteria provided, single submitter. Criteria: ICSL Variant Classification Criteria 13 December 2019. Collection method: clinical testing. Allele origin: germline.
Comment: This variant was observed in the ICSL laboratory as part of a predisposition screen in an ostensibly healthy population. It had not been previously curated by ICSL or reported in the Human Gene Mutation Database (HGMD: prior to June 1st, 2018), and was therefore a candidate for classification through an automated scoring system. Utilizing variant allele frequency, disease prevalence and penetrance estimates, and inheritance mode, an automated score was calculated to assess if this variant is too frequent to cause the disease. Based on the score and internal cut-off values, a variant classified as benign is not then subjected to further curation. The score for this variant resulted in a classification of benign for this disease.

Illumina Laboratory Services, Illumina
Classification: Benign for Seckel syndrome 4. Last evaluated: 2018-01-12. Review status: criteria provided, single submitter. Criteria: ICSL Variant Classification Criteria 13 December 2019. Collection method: clinical testing. Allele origin: germline.
Comment: the same text as in the submission from Illumina Laboratory Services, Illumina above.